The following is an entry in ClinVar:

ClinVar aggregate classification (germline): Benign. Review status: criteria provided, multiple submitters, no conflicts (2 of 4 stars). 3 submissions from 3 submitters: Benign (3). Last evaluated 2024-12-11.

Conditions:
CYP3A4-related disorder. Also called: CYP3A4-related condition.

Allele frequency attached by ClinVar (database versions not stated): ExAC 0.00510; gnomAD 0.01668 and 0.01775; 1000 Genomes Project 0.01797; ESP Exome Variant Server 0.01884; TOPMed 0.01915; 1000 Genomes Project 30x 0.02030.
gnomAD v4.1: 4,958 of 1,613,954 alleles (0.31%); highest among the groups gnomAD compares: African/African-American, 5.6%; 135 homozygotes.

Submissions (3):

PreventionGenetics, part of Exact Sciences
Classification: Benign for CYP3A4-related condition. Last evaluated: 2024-12-11. Review status: criteria provided, single submitter. Criteria: ACMG Guidelines, 2015. Collection method: clinical testing. Allele origin: germline.
Comment: This variant is classified as benign based on ACMG/AMP sequence variant interpretation guidelines (Richards et al. 2015 PMID: 25741868, with internal and published modifications).

Labcorp Genetics (formerly Invitae), Labcorp
Classification: Benign. Last evaluated: 2018-06-12. Review status: criteria provided, single submitter. Criteria: Invitae Variant Classification Sherloc (09022015). Collection method: clinical testing. Allele origin: germline.

Breakthrough Genomics
Classification: Benign. Review status: criteria provided, single submitter. Criteria: ACMG Guidelines, 2015. Collection method: not provided. Allele origin: germline. Inheritance: Autosomal dominant inheritance. Affected: yes.

NM_017460.6(CYP3A4):c.579C>T (p.Ile193=)

Gene: CYP3A4 (cytochrome P450 family 3 subfamily A member 4; minus strand). Cytogenetic location: 7q22.1.
Variant type: single nucleotide variant.
Coding change: c.579C>T on transcript NM_017460.6 (MANE Select); coding-DNA position 579, C replaced by T.
Protein change: p.Ile193=; no amino-acid change (isoleucine 193 retained).
Molecular consequence: synonymous variant.
Genome position (GRCh38, 1-based): chr7:99,768,445, G>A on the plus strand (C>T on the coding strand, the complement: CYP3A4 is on the minus strand). VCF-style: chr7-99768445-G-A. GRCh37 (hg19) VCF-style: chr7-99366068-G-A.
Other names: c.579C>T, p.Ile193= (NM_001202855.3).
Identifiers: ClinVar variation 768183 (VCV000768183.5), dbSNP rs4987159, ClinGen allele CA4369699.